The following is an entry in ClinVar:

NM_001813.3(CENPE):c.1836C>T (p.Tyr612=)

Gene: CENPE (centromere protein E; minus strand). Cytogenetic location: 4q24.
Variant type: single nucleotide variant.
Coding change: c.1836C>T on transcript NM_001813.3 (MANE Select); coding-DNA position 1836, C replaced by T.
Protein change: p.Tyr612=; no amino-acid change (tyrosine 612 retained).
Molecular consequence: synonymous variant.
Genome position (GRCh38, 1-based): chr4:103,163,143, G>A on the plus strand (C>T on the coding strand, the complement: CENPE is on the minus strand). VCF-style: chr4-103163143-G-A. GRCh37 (hg19) VCF-style: chr4-104084300-G-A.
Other names: c.1761C>T, p.Tyr587= (NM_001286734.2).
Identifiers: ClinVar variation 4085811 (VCV004085811.8).
Genomic context (GRCh38, chr4:103,163,143, plus strand): 5'-TGGTATGCTATATATATTTATGTGATTACACAACAAAATACGCCTGATTTTTACCAATGA[G>A]TATGACAAGTCCATTTTTATATTTTCTAGCTTTTGAGAGTCTATGTATTCCTGTAGCTTC-3'
Protein context (NP_001804.2, residues 602-622): KLENIKMDLS[Tyr612=]SLESIEDPKQ

ClinVar aggregate classification (germline): Likely benign (1 of 4 stars; one submission).

Submission:

CeGaT Center for Human Genetics Tuebingen
Classification: Likely benign. Last evaluated: 2025-08-01. Review status: criteria provided, single submitter. Criteria: CeGaT Center For Human Genetics Tuebingen Variant Classification Criteria Version 2. Collection method: clinical testing. Allele origin: germline. Affected: yes. Observed: 1 variant allele.
Comment: CENPE: PM2:Supporting, BP4, BP7